The following is an entry in ClinVar:

ClinVar aggregate classification (germline): Uncertain significance. Review status: criteria provided, multiple submitters, no conflicts (2 of 4 stars). 2 submissions from 2 submitters: Uncertain significance (2). Last evaluated 2024-06-28.

Conditions:
Congenital myasthenic syndrome 17. Identifiers: Orphanet 590, MedGen C4225377, MONDO:0014578, OMIM 616304.
Cenani-Lenz syndactyly syndrome. Also called: SYNDACTYLY, TYPE VII; CENANI SYNDACTYLISM. Identifiers: Orphanet 3258, MedGen C1859309, MONDO:0008931, OMIM 212780.
Sclerosteosis 2 (SOST2). Identifiers: Orphanet 3152, MedGen C3280402, MONDO:0013679, OMIM 614305.

Allele frequency attached by ClinVar (database versions not stated): ExAC 0.00002; gnomAD exomes 0.00002; TOPMed 0.00003.

Submissions (2):

Labcorp Genetics (formerly Invitae), Labcorp
Classification: Uncertain significance for Cenani-Lenz syndactyly syndrome; Sclerosteosis 2; Congenital myasthenic syndrome 17. Last evaluated: 2024-06-28. Review status: criteria provided, single submitter. Criteria: Invitae Variant Classification Sherloc (09022015). Collection method: clinical testing. Allele origin: germline.
Comment: This sequence change replaces methionine, which is neutral and non-polar, with valine, which is neutral and non-polar, at codon 1299 of the LRP4 protein (p.Met1299Val). This variant is present in population databases (rs764853604, gnomAD 0.004%). This variant has not been reported in the literature in individuals affected with LRP4-related conditions. ClinVar contains an entry for this variant (Variation ID: 1349176). Advanced modeling of protein sequence and biophysical properties (such as structural, functional, and spatial information, amino acid conservation, physicochemical variation, residue mobility, and thermodynamic stability) performed at Invitae indicates that this missense variant is not expected to disrupt LRP4 protein function with a negative predictive value of 80%. In summary, the available evidence is currently insufficient to determine the role of this variant in disease. Therefore, it has been classified as a Variant of Uncertain Significance.

Fulgent Genetics
Classification: Uncertain significance for Cenani-Lenz syndactyly syndrome; Sclerosteosis 2; Congenital myasthenic syndrome 17. Last evaluated: 2023-12-29. Review status: criteria provided, single submitter. Criteria: ACMG Guidelines, 2015. Collection method: clinical testing. Allele origin: germline.

NM_002334.4(LRP4):c.3895A>G (p.Met1299Val)

Gene: LRP4 (LDL receptor related protein 4; minus strand). Cytogenetic location: 11p11.2.
Variant type: single nucleotide variant.
Coding change: c.3895A>G on transcript NM_002334.4 (MANE Select); coding-DNA position 3895, A replaced by G.
Protein change: p.Met1299Val; replaces methionine 1299 with valine.
Molecular consequence: missense variant.
Genome position (GRCh38, 1-based): chr11:46,875,486, T>C on the plus strand (A>G on the coding strand, the complement: LRP4 is on the minus strand). VCF-style: chr11-46875486-T-C. GRCh37 (hg19) VCF-style: chr11-46897037-T-C.
Other names: short protein forms M1299V.
Identifiers: ClinVar variation 1349176 (VCV001349176.7), dbSNP rs764853604, ClinGen allele CA5969466.